The following is an entry in ClinVar:

ClinVar aggregate classification (germline): Uncertain significance. Review status: criteria provided, multiple submitters, no conflicts (2 of 4 stars). 2 submissions from 2 submitters: Uncertain significance (2). Last evaluated 2024-05-10.

Conditions:
Joubert syndrome 14 (JBTS14). Identifiers: MedGen C3280766, MONDO:0013745, OMIM 614424.
Inborn genetic diseases. Identifiers: MedGen C0950123, MeSH D030342.

Allele frequency attached by ClinVar (database versions not stated): gnomAD exomes below 0.00001; TOPMed below 0.00001.
gnomAD v4.1: 6 of 1,556,388 alleles (0.00039%); highest among the groups gnomAD compares: East Asian, 0.0024%; no homozygotes.

Submissions (2):

Ambry Genetics
Classification: Uncertain significance for Inborn genetic diseases. Last evaluated: 2024-05-10. Review status: criteria provided, single submitter. Criteria: Ambry Variant Classification Scheme 2023. Collection method: clinical testing. Allele origin: germline.

Labcorp Genetics (formerly Invitae), Labcorp
Classification: Uncertain significance for Joubert syndrome 14. Last evaluated: 2022-06-20. Review status: criteria provided, single submitter. Criteria: Invitae Variant Classification Sherloc (09022015). Collection method: clinical testing. Allele origin: germline.
Comment: This sequence change replaces threonine, which is neutral and polar, with isoleucine, which is neutral and non-polar, at codon 98 of the TMEM237 protein (p.Thr98Ile). The frequency data for this variant in the population databases is considered unreliable, as metrics indicate poor data quality at this position in the gnomAD database. In summary, the available evidence is currently insufficient to determine the role of this variant in disease. Therefore, it has been classified as a Variant of Uncertain Significance. Algorithms developed to predict the effect of missense changes on protein structure and function are either unavailable or do not agree on the potential impact of this missense change (SIFT: "Deleterious"; PolyPhen-2: "Benign"; Align-GVGD: "Class C0"). ClinVar contains an entry for this variant (Variation ID: 836030). This variant has not been reported in the literature in individuals affected with TMEM237-related conditions.

NM_001044385.3(TMEM237):c.293C>T (p.Thr98Ile)

Gene: TMEM237 (transmembrane protein 237; minus strand). Cytogenetic location: 2q33.1.
Variant type: single nucleotide variant.
Coding change: c.293C>T on transcript NM_001044385.3 (MANE Select); coding-DNA position 293, C replaced by T.
Protein change: p.Thr98Ile; replaces threonine 98 with isoleucine.
Molecular consequence: missense variant.
Genome position (GRCh38, 1-based): chr2:201,633,413, G>A on the plus strand (C>T on the coding strand, the complement: TMEM237 is on the minus strand). VCF-style: chr2-201633413-G-A. GRCh37 (hg19) VCF-style: chr2-202498136-G-A.
Other names: c.293C>T (NM_001044385.1); c.269C>T, p.Thr90Ile (NM_152388.4); short protein forms T98I, T90I.
Identifiers: ClinVar variation 836030 (VCV000836030.10), dbSNP rs1324625933, ClinGen allele CA350314292.